The following is an entry in ClinVar:

ClinVar aggregate classification (germline): Uncertain significance. Review status: criteria provided, multiple submitters, no conflicts (2 of 4 stars). 2 submissions from 2 submitters: Uncertain significance (2). Last evaluated 2023-11-18.

Conditions:
Hereditary nonpolyposis colorectal neoplasms. Identifiers: MedGen C0009405, MeSH D003123.
Hereditary cancer-predisposing syndrome. Also called: Neoplastic Syndromes, Hereditary; Hereditary Cancer Syndrome; Tumor predisposition; Hereditary neoplastic syndrome. Identifiers: Orphanet 140162, MedGen C0027672, MeSH D009386, MONDO:0015356.

Submissions (2):

Ambry Genetics
Classification: Uncertain significance for Hereditary cancer-predisposing syndrome. Last evaluated: 2023-11-18. Review status: criteria provided, single submitter. Criteria: Ambry Variant Classification Scheme 2023. Collection method: clinical testing. Allele origin: germline.
Comment: The p.L609P variant (also known as c.1826T>C), located in coding exon 4 of the MSH6 gene, results from a T to C substitution at nucleotide position 1826. The leucine at codon 609 is replaced by proline, an amino acid with similar properties. This amino acid position is conserved. In addition, this alteration is predicted to be deleterious by in silico analysis. Since supporting evidence is limited at this time, the clinical significance of this alteration remains unclear.

Labcorp Genetics (formerly Invitae), Labcorp
Classification: Uncertain significance for Hereditary nonpolyposis colorectal neoplasms. Last evaluated: 2019-10-02. Review status: criteria provided, single submitter. Criteria: Invitae Variant Classification Sherloc (09022015). Collection method: clinical testing. Allele origin: germline.
Comment: In summary, the available evidence is currently insufficient to determine the role of this variant in disease. Therefore, it has been classified as a Variant of Uncertain Significance. This sequence change replaces leucine with proline at codon 609 of the MSH6 protein (p.Leu609Pro). The leucine residue is moderately conserved and there is a moderate physicochemical difference between leucine and proline. This variant is not present in population databases (ExAC no frequency). This variant has not been reported in the literature in individuals with MSH6-related conditions. Algorithms developed to predict the effect of missense changes on protein structure and function are either unavailable or do not agree on the potential impact of this missense change (SIFT: "Deleterious"; PolyPhen-2: "Probably Damaging"; Align-GVGD: "Class C15").

NM_000179.3(MSH6):c.1826T>C (p.Leu609Pro)

Gene: MSH6 (mutS homolog 6; plus strand). Cytogenetic location: 2p16.3.
Variant type: single nucleotide variant.
Coding change: c.1826T>C on transcript NM_000179.3 (MANE Select); coding-DNA position 1826, T replaced by C.
Protein change: p.Leu609Pro; replaces leucine 609 with proline.
Molecular consequence: missense variant.
Genome position (GRCh38, 1-based): chr2:47,799,809, T>C. VCF-style: chr2-47799809-T-C. GRCh37 (hg19) VCF-style: chr2-48026948-T-C.
Other names: c.1436T>C, p.Leu479Pro (NM_001281492.2); c.920T>C, p.Leu307Pro (NM_001281493.2, NM_001281494.2); short protein forms L479P, L609P, L307P.
Identifiers: ClinVar variation 971061 (VCV000971061.11), dbSNP rs1669378654, ClinGen allele CA346749488.